The following is an entry in ClinVar:

ClinVar aggregate classification (germline): Uncertain significance. Review status: criteria provided, multiple submitters, no conflicts (2 of 4 stars). 3 submissions from 3 submitters: Uncertain significance (3). Last evaluated 2023-02-01.

Conditions:
TTN-related disorder. Also called: TTN-related disorders; TTN-related condition; TTN-related disease.
Autosomal recessive limb-girdle muscular dystrophy type 2J (LGMDR10). Also called: Limb-girdle muscular dystrophy, type 2J; MUSCULAR DYSTROPHY, LIMB-GIRDLE, AUTOSOMAL RECESSIVE 10. Identifiers: Orphanet 140922, MedGen C1837342, MONDO:0012127, OMIM 608807.
Dilated cardiomyopathy 1G (CMD1G). Identifiers: Orphanet 154, MedGen C1858763, MONDO:0011400, OMIM 604145.
Cardiovascular phenotype. Identifiers: MedGen CN230736.

Allele frequency attached by ClinVar (database versions not stated): ExAC 0.00001; gnomAD exomes 0.00001; TOPMed 0.00001; gnomAD 0.00003; ESP Exome Variant Server 0.00008.
gnomAD v4.1: 17 of 1,612,202 alleles (0.0011%); highest among the groups gnomAD compares: Middle Eastern, 0.016%; no homozygotes.

Submissions (3):

PreventionGenetics, part of Exact Sciences
Classification: Uncertain significance for TTN-related condition. Last evaluated: 2023-02-01. Review status: criteria provided, single submitter. Criteria: ACMG Guidelines, 2015. Collection method: clinical testing. Allele origin: germline.
Comment: The TTN c.78413C>A variant is predicted to result in the amino acid substitution p.Ala26138Asp. To our knowledge, this variant has not been reported in the literature. This variant is reported in 0.0031% of alleles in individuals of European (Non-Finnish) descent in gnomAD. At this time, the clinical significance of this variant is uncertain due to the absence of conclusive functional and genetic evidence.

Ambry Genetics
Classification: Uncertain significance for Cardiovascular phenotype. Last evaluated: 2019-11-04. Review status: criteria provided, single submitter. Criteria: Ambry Variant Classification Scheme 2023. Collection method: clinical testing. Allele origin: germline.
Comment: The p.A17073D variant (also known as c.51218C>A), located in coding exon 153 of the TTN gene, results from a C to A substitution at nucleotide position 51218. The alanine at codon 17073 is replaced by aspartic acid, an amino acid with dissimilar properties. This amino acid position is highly conserved in available vertebrate species. In addition, the in silico prediction for this alteration is inconclusive. Since supporting evidence is limited at this time, the clinical significance of this alteration remains unclear.

Labcorp Genetics (formerly Invitae), Labcorp
Classification: Uncertain significance for Dilated cardiomyopathy 1G; Autosomal recessive limb-girdle muscular dystrophy type 2J. Last evaluated: 2017-11-03. Review status: criteria provided, single submitter. Criteria: Invitae Variant Classification Sherloc (09022015). Collection method: clinical testing. Allele origin: germline.

NM_001267550.2(TTN):c.78413C>A (p.Ala26138Asp)

Genes: TTN-AS1 (TTN antisense RNA 1; plus strand), TTN (titin; minus strand). Cytogenetic location: 2q31.2.
Variant type: single nucleotide variant.
Coding change: c.78413C>A on transcript NM_001267550.2 (MANE Select); coding-DNA position 78413, C replaced by A.
Protein change: p.Ala26138Asp; replaces alanine 26138 with aspartic acid.
Molecular consequence: missense variant.
Genome position (GRCh38, 1-based): chr2:178,567,719, G>T on the plus strand (C>A on the coding strand, the complement: TTN is on the minus strand). VCF-style: chr2-178567719-G-T. GRCh37 (hg19) VCF-style: chr2-179432446-G-T.
Other names: c.73490C>A, p.Ala24497Asp (NM_001256850.1); c.51218C>A, p.Ala17073Asp (NM_003319.4); c.70709C>A, p.Ala23570Asp (NM_133378.4); c.51593C>A, p.Ala17198Asp (NM_133432.3); c.51794C>A, p.Ala17265Asp (NM_133437.4); short protein forms A26138D, A24497D, A17265D, A17073D, A17198D, A23570D.
Identifiers: ClinVar variation 535178 (VCV000535178.6), dbSNP rs373587432, ClinGen allele CA1989606.